The following is an entry in ClinVar:

NM_002471.4(MYH6):c.1454A>T (p.Lys485Met)

Gene: MYH6 (myosin heavy chain 6; minus strand). Cytogenetic location: 14q11.2.
Variant type: single nucleotide variant.
Coding change: c.1454A>T on transcript NM_002471.4 (MANE Select); coding-DNA position 1454, A replaced by T.
Protein change: p.Lys485Met; replaces lysine 485 with methionine.
Molecular consequence: missense variant.
Genome position (GRCh38, 1-based): chr14:23,400,383, T>A on the plus strand (A>T on the coding strand, the complement: MYH6 is on the minus strand). VCF-style: chr14-23400383-T-A. GRCh37 (hg19) VCF-style: chr14-23869592-T-A.
Other names: short protein forms K485M.
Identifiers: ClinVar variation 537954 (VCV000537954.8), dbSNP rs1555334566, ClinGen allele CA389022934.

ClinVar aggregate classification (germline): Uncertain significance (1 of 4 stars; one submission).

Conditions:
Hypertrophic cardiomyopathy 14. Identifiers: MedGen C2750467, MONDO:0013197, OMIM 613251.

Submission:

Labcorp Genetics (formerly Invitae), Labcorp
Classification: Uncertain significance for Hypertrophic cardiomyopathy 14. Last evaluated: 2017-08-13. Review status: criteria provided, single submitter. Criteria: Invitae Variant Classification Sherloc (09022015). Collection method: clinical testing. Allele origin: germline.
Comment: This variant is not present in population databases (ExAC no frequency). In summary, the available evidence is currently insufficient to determine the role of this variant in disease. Therefore, it has been classified as a Variant of Uncertain Significance. Algorithms developed to predict the effect of missense changes on protein structure and function do not agree on the potential impact of this missense change (SIFT: "Deleterious"; PolyPhen-2: "Probably Damaging"; Align-GVGD: "Class C0"). This variant has not been reported in the literature in individuals with MYH6-related disease. This sequence change replaces lysine with methionine at codon 485 of the MYH6 protein (p.Lys485Met). The lysine residue is weakly conserved and there is a moderate physicochemical difference between lysine and methionine.